The following is an entry in ClinVar:

NM_000368.5(TSC1):c.915G>C (p.Gly305=)

Gene: TSC1 (TSC complex subunit 1; minus strand). Cytogenetic location: 9q34.13.
Variant type: single nucleotide variant.
Coding change: c.915G>C on transcript NM_000368.5 (MANE Select); coding-DNA position 915, G replaced by C.
Protein change: p.Gly305=; no amino-acid change (glycine 305 retained).
Molecular consequence: synonymous variant.
Genome position (GRCh38, 1-based): chr9:132,911,567, C>G on the plus strand (G>C on the coding strand, the complement: TSC1 is on the minus strand). VCF-style: chr9-132911567-C-G. GRCh37 (hg19) VCF-style: chr9-135786954-C-G.
Other names: c.915G>C, p.Gly305= (NM_001162426.2); c.762G>C, p.Gly254= (NM_001162427.2); c.552G>C, p.Gly184= (NM_001362177.2).
Identifiers: ClinVar variation 237732 (VCV000237732.29), dbSNP rs397515293, ClinGen allele CA039696.

ClinVar aggregate classification (germline): Benign/Likely benign. Review status: criteria provided, multiple submitters, no conflicts (2 of 4 stars). 13 submissions from 12 submitters: Benign (6); Likely benign (7). Last evaluated 2026-01-26.

Conditions:
Isolated focal cortical dysplasia type II (FCORD2). Also called: Focal cortical dysplasia type II; CORTICAL DYSPLASIA OF TAYLOR. Identifiers: Orphanet 268994, MedGen C1846385, MONDO:0011818, OMIM 607341, HP:0032051.
Tuberous sclerosis syndrome (TSC). Also called: Tuberous Sclerosis Complex; Tuberous sclerosis. Identifiers: Orphanet 805, MedGen C0041341, MONDO:0001734.
Tuberous sclerosis 1 (TSC1). Identifiers: Orphanet 805, MedGen C1854465, MONDO:0008612, OMIM 191100.
Hereditary cancer-predisposing syndrome. Also called: Neoplastic Syndromes, Hereditary; Hereditary Cancer Syndrome; Tumor predisposition; Hereditary neoplastic syndrome. Identifiers: Orphanet 140162, MedGen C0027672, MeSH D009386, MONDO:0015356.

Allele frequency attached by ClinVar (database versions not stated): 1000 Genomes Project 0.00040; TOPMed 0.00045; 1000 Genomes Project 30x 0.00047; ESP Exome Variant Server 0.00069.
gnomAD v4.1: 101 of 1,530,300 alleles (0.0066%); highest among the groups gnomAD compares: African/African-American, 0.14%; no homozygotes.

Submissions (13):

Labcorp Genetics (formerly Invitae), Labcorp
Classification: Benign for Tuberous sclerosis 1. Last evaluated: 2026-01-26. Review status: criteria provided, single submitter. Criteria: Invitae Variant Classification Sherloc (09022015). Collection method: clinical testing. Allele origin: germline.

Myriad Genetics, Inc.
Classification: Benign for Tuberous sclerosis 1. Last evaluated: 2025-04-09. Review status: criteria provided, single submitter. Criteria: Myriad Autosomal Dominant, Autosomal Recessive and X-Linked Classification Criteria (2023). Collection method: clinical testing. Allele origin: unknown.
Comment: This variant is considered benign. This variant is a silent/synonymous amino acid change and it is not expected to impact splicing.

Blueprint Genetics
Classification: Likely benign. Last evaluated: 2023-12-05. Review status: criteria provided, single submitter. Criteria: ACMG Guidelines, 2015. Collection method: clinical testing. Allele origin: germline.

Color Diagnostics, LLC DBA Color Health
Classification: Benign for Tuberous sclerosis syndrome. Last evaluated: 2022-08-31. Review status: criteria provided, single submitter. Criteria: ACMG Guidelines, 2015. Collection method: clinical testing. Allele origin: germline.

Sema4
Classification: Likely benign for Hereditary cancer-predisposing syndrome. Last evaluated: 2021-11-22. Review status: criteria provided, single submitter. Criteria: Sema4 Curation Guidelines. Collection method: curation. Allele origin: germline.

Genome-Nilou Lab
Classification: Benign for Tuberous sclerosis 1. Last evaluated: 2021-11-07. Review status: criteria provided, single submitter. Criteria: ACMG Guidelines, 2015. Collection method: clinical testing. Allele origin: germline. Affected: no.

GeneDx
Classification: Likely benign. Last evaluated: 2018-07-26. Review status: criteria provided, single submitter. Criteria: GeneDx Variant Classification Process June 2021. Collection method: clinical testing. Allele origin: germline. Affected: yes.

Athena Diagnostics
Classification: Benign. Last evaluated: 2018-05-01. Review status: criteria provided, single submitter. Criteria: Athena Diagnostics Criteria. Collection method: clinical testing. Allele origin: germline.

Quest Diagnostics Nichols Institute San Juan Capistrano
Classification: Benign. Last evaluated: 2018-05-01. Review status: criteria provided, single submitter. Criteria: Quest Diagnostics criteria. Collection method: clinical testing. Allele origin: unknown.

Illumina Laboratory Services, Illumina
Classification: Likely benign for Tuberous sclerosis 1. Last evaluated: 2017-04-27. Review status: criteria provided, single submitter. Criteria: ICSL Variant Classification Criteria 13 December 2019. Collection method: clinical testing. Allele origin: germline.
Comment: This variant was observed as part of a predisposition screen in an ostensibly healthy population. A literature search was performed for the gene, cDNA change, and amino acid change (where applicable). No publications were found based on this search. Allele frequency data from public databases allowed determination this variant is unlikely to cause disease. Therefore, this variant is classified as likely benign.

Illumina Laboratory Services, Illumina
Classification: Likely benign for Isolated focal cortical dysplasia type II. Last evaluated: 2017-04-27. Review status: criteria provided, single submitter. Criteria: ICSL Variant Classification Criteria 13 December 2019. Collection method: clinical testing. Allele origin: germline.
Comment: the same text as in the submission from Illumina Laboratory Services, Illumina above.

Ambry Genetics
Classification: Likely benign for Hereditary cancer-predisposing syndrome. Last evaluated: 2016-11-09. Review status: criteria provided, single submitter. Criteria: Ambry Variant Classification Scheme 2023. Collection method: clinical testing. Allele origin: germline.

PreventionGenetics, part of Exact Sciences
Classification: Likely benign. Review status: criteria provided, single submitter. Criteria: ACMG Guidelines, 2015. Collection method: clinical testing. Allele origin: germline.